The following is an entry in ClinVar:

ClinVar aggregate classification (germline): Uncertain significance (1 of 4 stars; one submission).

Conditions:
Hereditary cancer-predisposing syndrome. Also called: Neoplastic Syndromes, Hereditary; Tumor predisposition; Hereditary Cancer Syndrome; Hereditary neoplastic syndrome. Identifiers: Orphanet 140162, MedGen C0027672, MeSH D009386, MONDO:0015356.

Submission:

Ambry Genetics
Classification: Uncertain significance for Hereditary cancer-predisposing syndrome. Last evaluated: 2025-07-13. Review status: criteria provided, single submitter. Criteria: Ambry Variant Classification Scheme 2023. Collection method: clinical testing. Allele origin: germline.
Comment: The p.G440V variant (also known as c.1319G>T), located in coding exon 12 of the TSC2 gene, results from a G to T substitution at nucleotide position 1319. The glycine at codon 440 is replaced by valine, an amino acid with dissimilar properties. This amino acid position is conserved. In addition, this alteration is predicted to be deleterious by in silico analysis. Based on the available evidence, the clinical significance of this variant remains unclear.

NM_000548.5(TSC2):c.1319G>T (p.Gly440Val)

Gene: TSC2 (TSC complex subunit 2; plus strand). Cytogenetic location: 16p13.3.
Variant type: single nucleotide variant.
Coding change: c.1319G>T on transcript NM_000548.5 (MANE Select); coding-DNA position 1319, G replaced by T.
Protein change: p.Gly440Val; replaces glycine 440 with valine.
Molecular consequence: missense variant. On other transcripts: 5 prime UTR variant (10), non-coding transcript variant (5).
Genome position (GRCh38, 1-based): chr16:2,062,558, G>T. VCF-style: chr16-2062558-G-T. GRCh37 (hg19) VCF-style: chr16-2112559-G-T.
Other names: c.1319G>T, p.Gly440Val (NM_001077183.3, NM_001114382.3, NM_001363528.2 and 6 more transcripts); c.1208G>T, p.Gly403Val (NM_001318827.2, NM_001406670.1, NM_001406678.1); c.1172G>T, p.Gly391Val (NM_001318829.2, NM_001406675.1, NM_001406676.1 and 1 more transcripts); c.719G>T, p.Gly240Val (NM_001318831.2, NM_001406682.1, NM_001406683.1 and 6 more transcripts); c.1352G>T, p.Gly451Val (NM_001318832.2); c.1409G>T, p.Gly470Val (NM_001406667.1, NM_001406668.1); c.-26G>T (NM_001406689.1, NM_001406690.1, NM_001406691.1 and 6 more transcripts); c.-202G>T (NM_001406698.1); and 3 more; short protein forms G391V, G470V, G421V, G436V, G403V, G240V, G286V, G440V.
Identifiers: ClinVar variation 4192156 (VCV004192156.1).
Genomic context (GRCh38, chr16:2,062,558, plus strand): 5'-AGTCCTCCCTCCTGAACCTGATCTCCTATAGAGCGCAGTCCATCCACCCGGCCAAGGACG[G>T]CTGGATTCAGAACCTGCAGGCGCTGATGGAGAGATTCTTCAGGTAGGGGGTCCTCTGTAG-3'
Protein context (NP_000539.2, residues 430-450): RAQSIHPAKD[Gly440Val]WIQNLQALME